The following is an entry in ClinVar:

NM_000277.3(PAH):c.211C>T (p.Arg71Cys)

Gene: PAH (phenylalanine hydroxylase; minus strand). Cytogenetic location: 12q23.2.
Variant type: single nucleotide variant.
Coding change: c.211C>T on transcript NM_000277.3 (MANE Select); coding-DNA position 211, C replaced by T.
Protein change: p.Arg71Cys; replaces arginine 71 with cysteine.
Molecular consequence: missense variant.
Genome position (GRCh38, 1-based): chr12:102,894,876, G>A on the plus strand (C>T on the coding strand, the complement: PAH is on the minus strand). VCF-style: chr12-102894876-G-A. GRCh37 (hg19) VCF-style: chr12-103288654-G-A.
Other names: NM_001354304.2:c.211C>T; c.211C>T, p.Arg71Cys (NM_001354304.2); c.211C>T (NM_000277.2); short protein forms R71C.
Identifiers: ClinVar variation 2137414 (VCV002137414.9), dbSNP rs866012140, ClinGen allele CA16020748.

ClinVar aggregate classification (germline): Uncertain significance. Review status: reviewed by expert panel (3 of 4 stars). 5 submissions from 5 submitters: Uncertain significance (1). 4 of the submissions do not count toward it. Last evaluated 2025-12-12.

Conditions:
Phenylketonuria (PKU). Also called: Phenylketonuria (PKU); OLIGOPHRENIA PHENYLPYRUVICA; FOLLING DISEASE; Phenylketonurias. Identifiers: Orphanet 716, MedGen C0031485, MONDO:0009861, OMIM 261600. Disease mechanism: loss of function.

Allele frequency attached by ClinVar (database versions not stated): gnomAD 0.00001; TOPMed 0.00003; gnomAD exomes 0.00001.

Submissions (5):

ClinGen PAH Variant Curation Expert Panel
Classification: Uncertain significance for Phenylketonuria. Last evaluated: 2025-12-12. Review status: reviewed by expert panel. Criteria: ClinGen PAH ACMG Specifications PAH V2.0.0. Collection method: curation. Allele origin: germline. Inheritance: Autosomal recessive inheritance.
Comment: The c.211C>T variant in PAH is a missense variant predicted to cause substitution of Arginine by Cysteine at amino acid 71 (p.Arg71Cys). At least one individual with this variant was identified with mild hyperphenylalaninemia (Phe level not provided), but this information is insufficient to use toward classification (PMID: 17627389). This individual was compound heterozygous for the variant and p.E280K pathogenic variant (PM3_Supporting; PMID: 17627389). The highest population minor allele frequency in gnomAD v4.1.0 is 0.0001167 in Admixed American population, which is lower than the ClinGen PAH Variant Curation Expert Panel threshold (<0.0002) for PM2_Supporting, meeting this criterion (PM2_Supporting). The computational predictor REVEL gives a score of 0.731, which is above the threshold of 0.644 but below 0.773, evidence that correlates with supporting impact to PAH function (PP3). 2 different missense variants, c.212G>A, p.Arg71His; c.212G>C, p.Arg71Pro (PMID: 17627389, 32668217), in the same codon have been classified as likely pathogenic for PAH deficiency by the ClinGen PAH Variant Curation Expert Panel (PM5_Supporting). In summary, this variant is classified as a variant of uncertain significance for autosomal recessive PAH deficiency based on the ACMG/AMP criteria applied, as specified by the ClinGen Phenylketonuria VCEP: PM3_supporting, PM2_supporting, PP3, PM5_supporting (Version 2.0, 7/16/2024).

Natera, Inc.
Classification: Likely pathogenic for Phenylketonuria. Last evaluated: 2025-03-24. Review status: criteria provided, single submitter. Criteria: Natera Variant Classification Schema (03/2026). Collection method: clinical testing. Allele origin: germline. Not counted in ClinVar's aggregate classification.
Comment: The c.211C>T variant in PAH is a missense variant predicted to cause substitution of arginine to cysteine at amino acid 71. This variant is rare in the general population with a frequency below the threshold expected for the associated phenotype(s). This variant has been observed in one or more individuals affected with the associated recessive disease, as either homozygous or compound heterozygous with a second variant (PMID: 17627389, 37004080). A different variant at the same position has been determined to be Pathogenic or Likely Pathogenic. Computational prediction algorithms indicate this variant is likely to affect gene or protein function. Given the available evidence, this variant is classified as Likely Pathogenic.

Revvity Omics, Revvity
Classification: Likely pathogenic for Phenylketonuria. Last evaluated: 2024-03-29. Review status: criteria provided, single submitter. Criteria: ACMG Guidelines, 2015. Collection method: clinical testing. Allele origin: germline. Not counted in ClinVar's aggregate classification.

Labcorp Genetics (formerly Invitae), Labcorp
Classification: Likely pathogenic for Phenylketonuria. Last evaluated: 2023-12-27. Review status: criteria provided, single submitter. Criteria: Invitae Variant Classification Sherloc (09022015). Collection method: clinical testing. Allele origin: germline. Not counted in ClinVar's aggregate classification.
Comment: This sequence change replaces arginine, which is basic and polar, with cysteine, which is neutral and slightly polar, at codon 71 of the PAH protein (p.Arg71Cys). This variant is present in population databases (no rsID available, gnomAD 0.006%). This missense change has been observed in individual(s) with clinical features of hyperphenylalaninemia (PMID: 17627389). ClinVar contains an entry for this variant (Variation ID: 2137414). Advanced modeling of protein sequence and biophysical properties (such as structural, functional, and spatial information, amino acid conservation, physicochemical variation, residue mobility, and thermodynamic stability) performed at Invitae indicates that this missense variant is not expected to disrupt PAH protein function with a negative predictive value of 80%. This variant disrupts the p.Arg71 amino acid residue in PAH. Other variant(s) that disrupt this residue have been determined to be pathogenic (PMID: 10495930, 29390883). This suggests that this residue is clinically significant, and that variants that disrupt this residue are likely to be disease-causing. In summary, the currently available evidence indicates that the variant is pathogenic, but additional data are needed to prove that conclusively. Therefore, this variant has been classified as Likely Pathogenic.

Women's Health and Genetics/Laboratory Corporation of America, LabCorp
Classification: Likely pathogenic for Phenylketonuria. Last evaluated: 2023-12-13. Review status: criteria provided, single submitter. Criteria: LabCorp Variant Classification Summary - May 2015. Collection method: clinical testing. Allele origin: germline. Not counted in ClinVar's aggregate classification.
Comment: Variant summary: PAH c.211C>T (p.Arg71Cys) results in a non-conservative amino acid change located in the ACT domain (IPR002912) of the encoded protein sequence. Five of five in-silico tools predict a damaging effect of the variant on protein function. The variant allele was found at a frequency of 1.2e-05 in 251342 control chromosomes (gnomAD). c.211C>T has been reported in the literature in an individual affected with Phenylalanine Hydroxylase Deficiency (Phenylketonuria) (example: Wang_2007). Different variants affecting the same residue (p.Arg71His, p.Arg71Pro) have been classified pathogenic/likely pathogenic in ClinVar. To our knowledge, no experimental evidence demonstrating an impact on protein function has been reported. The following publication has been ascertained in the context of this evaluation (PMID: 17627389).One submitter has cited clinical-significance assessments for this variant to ClinVar after 2014 and has classified the variant as likely pathogenic. Based on the evidence outlined above, the variant was classified as likely pathogenic.

Literature cited by the submitters: PubMed 17627389 (cited by 3 submitters); PubMed 37004080 (cited by Natera, Inc.); PubMed 10495930 (cited by Labcorp Genetics (formerly Invitae), Labcorp); PubMed 29390883 (cited by Labcorp Genetics (formerly Invitae), Labcorp).